The following is an entry in ClinVar:

ClinVar aggregate classification (germline): Uncertain significance (1 of 4 stars; one submission).

Conditions:
Kabuki syndrome. Also called: Kabuki make-up syndrome; NIIKAWA-KUROKI SYNDROME. Identifiers: Orphanet 2322, MedGen C0796004, MONDO:0016512.

Submission:

Labcorp Genetics (formerly Invitae), Labcorp
Classification: Uncertain significance for Kabuki syndrome. Last evaluated: 2024-03-13. Review status: criteria provided, single submitter. Criteria: Invitae Variant Classification Sherloc (09022015). Collection method: clinical testing. Allele origin: germline.
Comment: This sequence change replaces isoleucine, which is neutral and non-polar, with methionine, which is neutral and non-polar, at codon 1015 of the KMT2D protein (p.Ile1015Met). This variant is not present in population databases (gnomAD no frequency). This variant has not been reported in the literature in individuals affected with KMT2D-related conditions. Advanced modeling of protein sequence and biophysical properties (such as structural, functional, and spatial information, amino acid conservation, physicochemical variation, residue mobility, and thermodynamic stability) performed at Invitae indicates that this missense variant is not expected to disrupt KMT2D protein function with a negative predictive value of 95%. In summary, the available evidence is currently insufficient to determine the role of this variant in disease. Therefore, it has been classified as a Variant of Uncertain Significance.

NM_003482.4(KMT2D):c.3045C>G (p.Ile1015Met)

Gene: KMT2D (lysine methyltransferase 2D; minus strand). Cytogenetic location: 12q13.12.
Variant type: single nucleotide variant.
Coding change: c.3045C>G on transcript NM_003482.4 (MANE Select); coding-DNA position 3045, C replaced by G.
Protein change: p.Ile1015Met; replaces isoleucine 1015 with methionine.
Molecular consequence: missense variant.
Genome position (GRCh38, 1-based): chr12:49,050,543, G>C on the plus strand (C>G on the coding strand, the complement: KMT2D is on the minus strand). VCF-style: chr12-49050543-G-C. GRCh37 (hg19) VCF-style: chr12-49444326-G-C.
Other names: short protein forms I1015M.
Identifiers: ClinVar variation 3626169 (VCV003626169.2).